The following is an entry in ClinVar:

NM_015937.6(PIGT):c.564del (p.Trp189fs)

Gene: PIGT (phosphatidylinositol glycan anchor biosynthesis class T; plus strand). Cytogenetic location: 20q13.12.
Variant type: Deletion.
Coding change: c.564del on transcript NM_015937.6 (MANE Select); coding-DNA position 564, one base deleted (C; older notation c.564delC).
Protein change: p.Trp189fs; shifts the reading frame from tryptophan 189.
Molecular consequence: frameshift variant. On other transcripts: non-coding transcript variant (3).
Genome position (GRCh38, 1-based): chr20:45,419,365, C deleted; the last of 5 consecutive C bases (chr20:45,419,361-45,419,365); deleting any one gives the same sequence. VCF-style (leftmost placement, unchanged base first): chr20-45419360-AC-A. GRCh37 (hg19) VCF-style: chr20-44048000-AC-A.
Other names: c.396del, p.Trp133fs (NM_001184728.3); c.564del, p.Trp189fs (NM_001184729.3); c.258del, p.Trp87fs (NM_001184730.3); short protein forms W133fs, W87fs, W189fs.
Identifiers: ClinVar variation 2030623 (VCV002030623.4), dbSNP rs2515530148, ClinGen allele CA2580098210.

ClinVar aggregate classification (germline): Pathogenic (1 of 4 stars; one submission).

Conditions:
Multiple congenital anomalies-hypotonia-seizures syndrome 3 (MCAHS3). Also called: GLYCOSYLPHOSPHATIDYLINOSITOL BIOSYNTHESIS DEFECT 7. Identifiers: Orphanet 369837, MedGen C3809356, MONDO:0014165, OMIM 615398.

Submission:

Labcorp Genetics (formerly Invitae), Labcorp
Classification: Pathogenic for Multiple congenital anomalies-hypotonia-seizures syndrome 3. Last evaluated: 2023-06-15. Review status: criteria provided, single submitter. Criteria: Invitae Variant Classification Sherloc (09022015). Collection method: clinical testing. Allele origin: germline.
Comment: This variant has not been reported in the literature in individuals affected with PIGT-related conditions. This variant is not present in population databases (gnomAD no frequency). This sequence change creates a premature translational stop signal (p.Trp189Glyfs*17) in the PIGT gene. It is expected to result in an absent or disrupted protein product. Loss-of-function variants in PIGT are known to be pathogenic (PMID: 24906948, 25943031). ClinVar contains an entry for this variant (Variation ID: 2030623). For these reasons, this variant has been classified as Pathogenic.

Literature cited by the submitters: PubMed 24906948; PubMed 25943031.